The following is an entry in ClinVar:

ClinVar aggregate classification (germline): Pathogenic (1 of 4 stars; one submission).

Allele frequency attached by ClinVar (database versions not stated): gnomAD exomes below 0.00001.
gnomAD v4.1: 1 of 1,614,172 alleles (0.000062%); highest among the groups gnomAD compares: Non-Finnish European, 0.000085%; no homozygotes.

Submission:

Labcorp Genetics (formerly Invitae), Labcorp
Classification: Pathogenic. Last evaluated: 2022-12-08. Review status: criteria provided, single submitter. Criteria: Invitae Variant Classification Sherloc (09022015). Collection method: clinical testing. Allele origin: germline.
Comment: For these reasons, this variant has been classified as Pathogenic. This variant has not been reported in the literature in individuals affected with FREM2-related conditions. This variant is not present in population databases (gnomAD no frequency). This sequence change creates a premature translational stop signal (p.Glu1197*) in the FREM2 gene. It is expected to result in an absent or disrupted protein product. Loss-of-function variants in FREM2 are known to be pathogenic (PMID: 18203166, 26552811).

Literature cited by the submitters: PubMed 18203166; PubMed 26552811.

NM_207361.6(FREM2):c.3589G>T (p.Glu1197Ter)

Gene: FREM2 (FRAS1 related extracellular matrix 2; plus strand). Cytogenetic location: 13q13.3.
Variant type: single nucleotide variant.
Coding change: c.3589G>T on transcript NM_207361.6 (MANE Select); coding-DNA position 3589, G replaced by T.
Protein change: p.Glu1197Ter; replaces glutamic acid 1197 with a stop codon.
Molecular consequence: nonsense.
Genome position (GRCh38, 1-based): chr13:38,690,933, G>T. VCF-style: chr13-38690933-G-T. GRCh37 (hg19) VCF-style: chr13-39265070-G-T.
Other names: short protein forms E1197*.
Identifiers: ClinVar variation 2819582 (VCV002819582.3), dbSNP rs2541358394, ClinGen allele CA387891301.